The following is an entry in ClinVar:

NM_005032.7(PLS3):c.661G>A (p.Ala221Thr)

Gene: PLS3 (plastin 3; plus strand). Cytogenetic location: Xq23.
Variant type: single nucleotide variant.
Coding change: c.661G>A on transcript NM_005032.7 (MANE Select); coding-DNA position 661, G replaced by A.
Protein change: p.Ala221Thr; replaces alanine 221 with threonine.
Molecular consequence: missense variant.
Genome position (GRCh38, 1-based): chrX:115,634,959, G>A. VCF-style: chrX-115634959-G-A. GRCh37 (hg19) VCF-style: chrX-114869271-G-A.
Other names: c.661G>A, p.Ala221Thr (NM_001136025.5); c.580G>A, p.Ala194Thr (NM_001172335.3); c.595G>A, p.Ala199Thr (NM_001282337.2); c.526G>A, p.Ala176Thr (NM_001282338.2); short protein forms A221T, A176T, A194T, A199T.
Identifiers: ClinVar variation 2830873 (VCV002830873.3), dbSNP rs2521452603, ClinGen allele CA414334040.

ClinVar aggregate classification (germline): Uncertain significance (1 of 4 stars; one submission).

Submission:

Labcorp Genetics (formerly Invitae), Labcorp
Classification: Uncertain significance. Last evaluated: 2023-01-21. Review status: criteria provided, single submitter. Criteria: Invitae Variant Classification Sherloc (09022015). Collection method: clinical testing. Allele origin: germline.
Comment: Advanced modeling of protein sequence and biophysical properties (such as structural, functional, and spatial information, amino acid conservation, physicochemical variation, residue mobility, and thermodynamic stability) performed at Invitae indicates that this missense variant is not expected to disrupt PLS3 protein function. This variant has not been reported in the literature in individuals affected with PLS3-related conditions. This variant is not present in population databases (gnomAD no frequency). This sequence change replaces alanine, which is neutral and non-polar, with threonine, which is neutral and polar, at codon 221 of the PLS3 protein (p.Ala221Thr). In summary, the available evidence is currently insufficient to determine the role of this variant in disease. Therefore, it has been classified as a Variant of Uncertain Significance.